The following is an entry in ClinVar:

ClinVar aggregate classification (germline): Uncertain significance. Review status: criteria provided, multiple submitters, no conflicts (2 of 4 stars). 2 submissions from 2 submitters: Uncertain significance (2). Last evaluated 2025-12-10.

Conditions:
PKD1-related disorder. Also called: PKD1-related condition.

Submissions (2):

PreventionGenetics, part of Exact Sciences
Classification: Uncertain significance for PKD1-related condition. Last evaluated: 2025-12-10. Review status: criteria provided, single submitter. Criteria: ACMG Guidelines, 2015. Collection method: clinical testing. Allele origin: germline.
Comment: The PKD1 c.1613T>G variant is predicted to result in the amino acid substitution p.Val538Gly. To our knowledge, this variant has not been reported in the literature or in a large population database (gnomAD), indicating this variant is rare. Although we suspect that this variant may be pathogenic, at this time, the clinical significance of this variant is uncertain due to the absence of conclusive functional and genetic evidence.

GeneDx
Classification: Uncertain significance. Last evaluated: 2024-12-04. Review status: criteria provided, single submitter. Criteria: GeneDx Variant Classification Process June 2021. Collection method: clinical testing. Allele origin: germline. Affected: yes.
Comment: Not observed at significant frequency in large population cohorts (gnomAD); In silico analysis supports that this missense variant has a deleterious effect on protein structure/function; Has not been previously published as pathogenic or benign to our knowledge

NM_001009944.3(PKD1):c.1613T>G (p.Val538Gly)

Gene: PKD1 (polycystin 1, transient receptor potential channel interacting; minus strand). Cytogenetic location: 16p13.3.
Variant type: single nucleotide variant.
Coding change: c.1613T>G on transcript NM_001009944.3 (MANE Select); coding-DNA position 1613, T replaced by G.
Protein change: p.Val538Gly; replaces valine 538 with glycine.
Molecular consequence: missense variant.
Genome position (GRCh38, 1-based): chr16:2,116,638, A>C on the plus strand (T>G on the coding strand, the complement: PKD1 is on the minus strand). VCF-style: chr16-2116638-A-C. GRCh37 (hg19) VCF-style: chr16-2166639-A-C.
Other names: c.1613T>G, p.Val538Gly (NM_000296.4); short protein forms V538G.
Identifiers: ClinVar variation 3901644 (VCV003901644.2).
Genomic context (GRCh38, chr16:2,116,638, plus strand): 5'-GTCAGGGGTCCCTGCAGGTCCCCACTGGGCGCTCCCACGAGGAGGTTCTCGGCATCCTGC[A>C]CTGGGCCTGGGGTGGCGAGTGCACAGTGAGGCGCCGGGCCAGGGCCCAGGACACCAGGAC-3'
Protein context (NP_001009944.3, residues 528-548): YVCELQPGGP[Val538Gly]QDAENLLVGA